The following is an entry in ClinVar:

NM_006236.3(POU3F3):c.1218G>C (p.Lys406Asn)

Gene: POU3F3 (POU class 3 homeobox 3; plus strand). Cytogenetic location: 2q12.1.
Variant type: single nucleotide variant.
Coding change: c.1218G>C on transcript NM_006236.3 (MANE Select); coding-DNA position 1218, G replaced by C.
Protein change: p.Lys406Asn; replaces lysine 406 with asparagine.
Molecular consequence: missense variant.
Genome position (GRCh38, 1-based): chr2:104,856,728, G>C. VCF-style: chr2-104856728-G-C. GRCh37 (hg19) VCF-style: chr2-105473186-G-C.
Other names: c.1218G>C, p.Lys406Asn (NM_001433704.1); short protein forms K406N.
Identifiers: ClinVar variation 4975306 (VCV004975306.1).

ClinVar aggregate classification (germline): Uncertain significance (1 of 4 stars; one submission).

Submission:

GeneDx
Classification: Uncertain significance. Last evaluated: 2026-01-29. Review status: criteria provided, single submitter. Criteria: GeneDx Variant Classification Process June 2021. Collection method: clinical testing. Allele origin: germline.
Comment: Not observed at significant frequency in large population cohorts (gnomAD); In silico analysis supports that this missense variant has a deleterious effect on protein structure/function; Has not been previously published as pathogenic or benign to our knowledge